The following is an entry in ClinVar:

ClinVar aggregate classification (germline): Uncertain significance (1 of 4 stars; one submission).

Conditions:
Inborn genetic diseases. Identifiers: MedGen C0950123, MeSH D030342.

Submission:

Ambry Genetics
Classification: Uncertain significance for Inborn genetic diseases. Last evaluated: 2025-04-19. Review status: criteria provided, single submitter. Criteria: Ambry Variant Classification Scheme 2023. Collection method: clinical testing. Allele origin: germline.
Comment: The p.C745R variant (also known as c.2233T>C), located in coding exon 1 of the SAMD9L gene, results from a T to C substitution at nucleotide position 2233. The cysteine at codon 745 is replaced by arginine, an amino acid with highly dissimilar properties. This amino acid position is conserved. In addition, this alteration is predicted to be deleterious by in silico analysis. Based on the available evidence, the clinical significance of this variant remains unclear.

NM_152703.5(SAMD9L):c.2233T>C (p.Cys745Arg)

Gene: SAMD9L (sterile alpha motif domain containing 9 like; minus strand). Cytogenetic location: 7q21.2.
Variant type: single nucleotide variant.
Coding change: c.2233T>C on transcript NM_152703.5 (MANE Select); coding-DNA position 2233, T replaced by C.
Protein change: p.Cys745Arg; replaces cysteine 745 with arginine.
Molecular consequence: missense variant.
Genome position (GRCh38, 1-based): chr7:93,133,739, A>G on the plus strand (T>C on the coding strand, the complement: SAMD9L is on the minus strand). VCF-style: chr7-93133739-A-G. GRCh37 (hg19) VCF-style: chr7-92763052-A-G.
Other names: c.2233T>C, p.Cys745Arg (NM_001303496.3, NM_001303497.3, NM_001303498.3 and 5 more transcripts); short protein forms C745R.
Identifiers: ClinVar variation 3949863 (VCV003949863.1).